The following is an entry in ClinVar:

ClinVar aggregate classification (germline): Uncertain significance (1 of 4 stars; one submission).

Conditions:
Hereditary cancer-predisposing syndrome. Also called: Neoplastic Syndromes, Hereditary; Tumor predisposition; Hereditary Cancer Syndrome; Hereditary neoplastic syndrome. Identifiers: Orphanet 140162, MedGen C0027672, MeSH D009386, MONDO:0015356.

Submission:

Ambry Genetics
Classification: Uncertain significance for Hereditary cancer-predisposing syndrome. Last evaluated: 2024-10-14. Review status: criteria provided, single submitter. Criteria: Ambry Variant Classification Scheme 2023. Collection method: clinical testing. Allele origin: germline.
Comment: The p.E116Q variant (also known as c.346G>C), located in coding exon 2 of the NTHL1 gene, results from a G to C substitution at nucleotide position 346. The glutamic acid at codon 116 is replaced by glutamine, an amino acid with highly similar properties. This amino acid position is conserved. In addition, the in silico prediction for this alteration is inconclusive. Based on the available evidence, the clinical significance of this variant remains unclear.

NM_002528.7(NTHL1):c.322G>C (p.Glu108Gln)

Gene: NTHL1 (nth like DNA glycosylase 1; minus strand). Cytogenetic location: 16p13.3.
Variant type: single nucleotide variant.
Coding change: c.322G>C on transcript NM_002528.7 (MANE Select); coding-DNA position 322, G replaced by C.
Protein change: p.Glu108Gln; replaces glutamic acid 108 with glutamine.
Molecular consequence: missense variant. On other transcripts: intron variant (1).
Genome position (GRCh38, 1-based): chr16:2,046,160, C>G on the plus strand (G>C on the coding strand, the complement: NTHL1 is on the minus strand). VCF-style: chr16-2046160-C-G. GRCh37 (hg19) VCF-style: chr16-2096161-C-G.
Other names: c.322G>C, p.Glu108Gln (NM_001318193.2); c.24+120G>C (NM_001318194.2); short protein forms E108Q.
Identifiers: ClinVar variation 3408219 (VCV003408219.1).